The following is an entry in ClinVar:

NM_007118.4(TRIO):c.7566_7573dup (p.Arg2525fs)

Gene: TRIO (trio Rho guanine nucleotide exchange factor; plus strand). Cytogenetic location: 5p15.2.
Variant type: Duplication.
Coding change: c.7566_7573dup on transcript NM_007118.4 (MANE Select); coding-DNA positions 7566 to 7573, 8 bases duplicated (TACTGACC; older notation c.7566_7573dupTACTGACC).
Protein change: p.Arg2525fs; shifts the reading frame from arginine 2525.
Molecular consequence: frameshift variant.
Genome position (GRCh38, 1-based): chr5:14,488,194-14,488,201, TACTGACC duplicated. VCF-style (leftmost placement, unchanged base first): chr5-14488193-A-ATACTGACC. GRCh37 (hg19) VCF-style: chr5-14488302-A-ATACTGACC.
Other names: short protein forms R2525fs.
Identifiers: ClinVar variation 3382398 (VCV003382398.3).
Genomic context (GRCh38, chr5:14,488,193, plus strand): 5'-TCCCGGGGGACAGCGACTCCCTCCAGCGGCAGACACCCCGCCACGCGGCCCCTGGCAAGG[A>ATACTGACC]TACTGACCGCATGAGCACGTGCTCCTCGGCCAGCGAGCAGTCCGTGCAGTCCACCCAGAG-3'

ClinVar aggregate classification (germline): Likely pathogenic (1 of 4 stars; one submission).

Conditions:
Intellectual developmental disorder, autosomal dominant 44, with microcephaly. Also called: TRIO-Related Intellectual Disability; Micrognathia-recurrent infections-behavioral abnormalities-mild intellectual disability syndrome. Identifiers: Orphanet 476126, MedGen C4310740, MONDO:0014892, OMIM 617061.
Intellectual developmental disorder, autosomal dominant 63, with macrocephaly. Also called: MENTAL RETARDATION, AUTOSOMAL DOMINANT 63, WITH MACROCEPHALY. Identifiers: MedGen C5394205, MONDO:0032939, OMIM 618825.

Submission:

Juno Genomics, Hangzhou Juno Genomics, Inc
Classification: Likely pathogenic for Intellectual developmental disorder, autosomal dominant 44, with microcephaly; Intellectual developmental disorder, autosomal dominant 63, with macrocephaly. Review status: criteria provided, single submitter. Criteria: ACMG Guidelines, 2015. Collection method: clinical testing. Allele origin: germline.
Comment: Absent from controls (or at extremely low frequency if recessive) in Genome Aggregation Database.;Null variant in a gene where loss of function (LOF) is a known mechanism of disease.